The following is an entry in ClinVar:

NM_012233.3(RAB3GAP1):c.2336A>G (p.His779Arg)

Gene: RAB3GAP1 (RAB3 GTPase activating protein catalytic subunit 1; plus strand). Cytogenetic location: 2q21.3.
Variant type: single nucleotide variant.
Coding change: c.2336A>G on transcript NM_012233.3 (MANE Select); coding-DNA position 2336, A replaced by G.
Protein change: p.His779Arg; replaces histidine 779 with arginine.
Molecular consequence: missense variant.
Genome position (GRCh38, 1-based): chr2:135,162,601, A>G. VCF-style: chr2-135162601-A-G. GRCh37 (hg19) VCF-style: chr2-135920171-A-G.
Other names: p.His779Arg; c.2336A>G, p.His779Arg (NM_001172435.2); short protein forms H779R.
Identifiers: ClinVar variation 3380838 (VCV003380838.1).
Genomic context (GRCh38, chr2:135,162,601, plus strand): 5'-TGCACCTCCTTCAGGTGCTGCACTATCTGGCAATCCAGAAACCTGCAGACCTTGCTCGGC[A>G]CCTGTTACCTTGTGTGATTCATGCAGCTGTACTCAAGGTAAAGGAAGAAGGTAAATGTCA-3'
Protein context (NP_036365.1, residues 769-789): AIQKPADLAR[His779Arg]LLPCVIHAAV

ClinVar aggregate classification (germline): Uncertain significance (1 of 4 stars; one submission).

gnomAD v4.1: 35 of 1,614,112 alleles (0.0022%); highest among the groups gnomAD compares: African/African-American, 0.043%; no homozygotes.

Submission:

Mayo Clinic Laboratories, Mayo Clinic
Classification: Uncertain significance. Last evaluated: 2023-11-01. Review status: criteria provided, single submitter. Criteria: ACMG Guidelines, 2015. Collection method: clinical testing. Allele origin: germline. Observed: 1 variant allele.
Comment: PM2_moderate